The following is an entry in ClinVar:

NM_005902.4(SMAD3):c.814G>C (p.Gly272Arg)

Gene: SMAD3 (SMAD family member 3; plus strand). Cytogenetic location: 15q22.33.
Variant type: single nucleotide variant.
Coding change: c.814G>C on transcript NM_005902.4 (MANE Select); coding-DNA position 814, G replaced by C.
Protein change: p.Gly272Arg; replaces glycine 272 with arginine.
Molecular consequence: missense variant.
Genome position (GRCh38, 1-based): chr15:67,181,396, G>C. VCF-style: chr15-67181396-G-C. GRCh37 (hg19) VCF-style: chr15-67473734-G-C.
Other names: c.499G>C, p.Gly167Arg (NM_001145102.2); c.682G>C, p.Gly228Arg (NM_001145103.2); c.229G>C, p.Gly77Arg (NM_001145104.2); short protein forms G272R, G77R, G228R, G167R.
Identifiers: ClinVar variation 391534 (VCV000391534.13), dbSNP rs1057524127, ClinGen allele CA16607847.
Genomic context (GRCh38, chr15:67,181,396, plus strand): 5'-CAGCCATCCATGACTGTGGATGGCTTCACCGACCCCTCCAATTCGGAGCGCTTCTGCCTA[G>C]GGCTGCTCTCCAATGTCAACAGGAATGCAGCAGTGGAGCTGACACGGAGACACATCGGTA-3'
Protein context (NP_005893.1, residues 262-282): DPSNSERFCL[Gly272Arg]LLSNVNRNAA

ClinVar aggregate classification (germline): Conflicting classifications of pathogenicity. Review status: criteria provided, conflicting classifications (1 of 4 stars). 4 submissions from 4 submitters: Likely pathogenic (2); Uncertain significance (2). Last evaluated 2024-03-26.

Conditions:
Aneurysm-osteoarthritis syndrome. Also called: ANEURYSMS-OSTEOARTHRITIS SYNDROME; SMAD3-Related Loeys-Dietz Syndrome; LOEYS-DIETZ SYNDROME WITH OSTEOARTHRITIS; Loeys-Dietz syndrome, type 1C. Identifiers: Orphanet 284984, MedGen C3151087, MONDO:0013426, OMIM 613795.
Familial thoracic aortic aneurysm and aortic dissection (TAAD). Also called: Thoracic aortic aneurysms and dissections. Identifiers: Orphanet 91387, MedGen C4707243, MONDO:0019625.

Submissions (4):

Labcorp Genetics (formerly Invitae), Labcorp
Classification: Likely pathogenic for Familial thoracic aortic aneurysm and aortic dissection. Last evaluated: 2024-03-26. Review status: criteria provided, single submitter. Criteria: Invitae Variant Classification Sherloc (09022015). Collection method: clinical testing. Allele origin: germline.
Comment: This sequence change replaces glycine, which is neutral and non-polar, with arginine, which is basic and polar, at codon 272 of the SMAD3 protein (p.Gly272Arg). This variant is not present in population databases (gnomAD no frequency). This missense change has been observed in individuals with clinical features of SMAD3-related conditions (Invitae). ClinVar contains an entry for this variant (Variation ID: 391534). Advanced modeling performed at Invitae incorporating data from internal and/or published experimental studies (Invitae) indicates that this missense variant is expected to disrupt SMAD3 function with a positive predictive value of 95%. In summary, the currently available evidence indicates that the variant is pathogenic, but additional data are needed to prove that conclusively. Therefore, this variant has been classified as Likely Pathogenic.

Victorian Clinical Genetics Services, Murdoch Childrens Research Institute
Classification: Likely pathogenic for Aneurysm-osteoarthritis syndrome. Last evaluated: 2023-07-17. Review status: criteria provided, single submitter. Criteria: ACMG Guidelines, 2015. Collection method: clinical testing. Allele origin: germline. Inheritance: Autosomal dominant inheritance. Affected: yes.
Comment: Based on the classification scheme VCGS_Germline_v1.3.4, this variant is classified as Likely pathogenic. Following criteria are met: 0103 - Loss of function is a known mechanism of disease in this gene and is associated with Loeys-Dietz syndrome 3 (MIM#613795). However, dominant negative is also a proposed mechanism of disease in this gene associated with missense variants in the MH2 domain (PMID: 30661052). (I) 0107 - This gene is associated with autosomal dominant disease. (I) 0200 - Variant is predicted to result in a missense amino acid change from glycine to arginine. (I) 0251 - This variant is heterozygous. (I) 0301 - Variant is absent from gnomAD (both v2 and v3). (SP) 0501 - Missense variant consistently predicted to be damaging by multiple in silico tools or highly conserved with a major amino acid change. (SP) 0600 - Variant is located in the annotated MH2 domain (DECIPHER). (I) 0705 - No comparable missense variants have previous evidence for pathogenicity. (I) 0808 - Previous reports of pathogenicity for this variant are conflicting. This variant is considered likely pathogenic and has been identified in two individuals with SMAD3-related conditions (Invitae personal communication). This variant has also been classified as a VUS by a clinical testing laboratory (ClinVar). (I) 0901 - This variant has strong evidence for segregation with disease. This variant has been shown to segregate with disease in six individuals from three families (VCGS internal data, Invitae personal communication). (SP) 1007 - No published functional evidence has been identified for this variant. (I) 1208 - Inheritance information for this variant is not currently available in this individual. (I) Legend: (SP) - Supporting pathogenic, (I) - Information, (SB) - Supporting benign

Blueprint Genetics
Classification: Uncertain significance. Last evaluated: 2021-06-09. Review status: criteria provided, single submitter. Criteria: ACMG Guidelines, 2015. Collection method: clinical testing. Allele origin: germline.

GeneDx
Classification: Uncertain significance. Last evaluated: 2016-12-12. Review status: criteria provided, single submitter. Criteria: GeneDx Variant Classification (06012015). Collection method: clinical testing. Allele origin: germline. Affected: yes.
Comment: A novel variant of uncertain significance has been identified in the SMAD3 gene. The G272R variant has not beenpublished as a pathogenic variant, nor has it been reported as a benign variant to our knowledge. It was not observedin approximately 6,500 individuals of European and African American ancestry in the NHLBI Exome SequencingProject, indicating it is not a common benign variant in these populations. In addition, the G272R variant is anon-conservative amino acid substitution, which is likely to impact secondary protein structure as these residues differin polarity, charge, size and/or other properties. Moreover, this substitution occurs at a position that is conservedacross species, and in silico analysis predicts this variant is probably damaging to the protein structure/function.Nonetheless, this variant lacks observation in a significant number of affected individuals, segregation data, andfunctional evidence, all of which would further clarify pathogenicity.

Literature cited by the submitters: PubMed 30661052 (cited by Victorian Clinical Genetics Services, Murdoch Childrens Research Institute).